The following is an entry in ClinVar:

ClinVar aggregate classification (germline): Conflicting classifications of pathogenicity. Review status: criteria provided, conflicting classifications (1 of 4 stars). 6 submissions from 6 submitters: Likely pathogenic (1); Uncertain significance (5). Last evaluated 2026-08-17.

Conditions:
Malignant hyperthermia, susceptibility to, 1 (MHS1). Also called: Anesthesia related hyperthermia; Malignant hyperpyrexia; Fulminating hyperpyrexia; Pharmacogenic myopathy; Malignant hyperthermia suceptibility 1; RYR1-Related Malignant Hyperthermia Susceptibility. Identifiers: Orphanet 423, MedGen C2930980, MONDO:0007783, OMIM 145600.
Central core myopathy (CMYO1A). Also called: Central core disease; Myopathy, central fibrillar; CONGENITAL MYOPATHY 1A, AUTOSOMAL DOMINANT, WITH SUSCEPTIBILITY TO MALIGNANT HYPERTHERMIA. Identifiers: Orphanet 597, MedGen C5830701, MONDO:0007294, OMIM 117000.
Congenital multicore myopathy with external ophthalmoplegia (CMYO1B). Also called: Minicore myopathy with external ophthalmoplegia; Congenital myopathy 1B, autosomal recessive; Minicore myopathy; MULTICORE MYOPATHY; MULTIMINICORE DISEASE WITH EXTERNAL OPHTHALMOPLEGIA. Identifiers: Orphanet 598, Orphanet 98905, MedGen C1850674, MONDO:0009712, OMIM 255320, HP:0003789.
King Denborough syndrome (KDS). Identifiers: MedGen C1840365, MONDO:0020485, OMIM 619542.
Congenital myopathy with fiber type disproportion. Also called: Congenital fiber-type disproportion myopathy; Congenital fiber-type disproportion. Identifiers: Orphanet 2020, MedGen C0546264, MONDO:0009711. Inheritance: all.
RYR1-related disorder. Also called: RYR1-related condition; RYR1-related disorders. Identifiers: MedGen CN239331.

Allele frequency attached by ClinVar (database versions not stated): ExAC 0.00001; 1000 Genomes Project 30x 0.00016; 1000 Genomes Project 0.00020.
gnomAD v4.1: 15 of 1,614,030 alleles (0.00093%); highest among the groups gnomAD compares: Admixed American, 0.01%; no homozygotes.

Submissions (6):

PreventionGenetics, part of Exact Sciences
Classification: Uncertain significance for RYR1-related condition. Last evaluated: 2026-08-17. Review status: criteria provided, single submitter. Criteria: ACMG Guidelines, 2015. Collection method: clinical testing. Allele origin: germline.
Comment: The RYR1 c.947G>A variant is predicted to result in the amino acid substitution p.Arg316His. This variant has not been reported in individuals with RYR1-related disease. This variant is reported in 0.0062% of alleles in individuals of African descent in gnomAD. At this time, the clinical significance of this variant is uncertain due to the absence of conclusive functional and genetic evidence.

Labcorp Genetics (formerly Invitae), Labcorp
Classification: Uncertain significance for RYR1-related disorder. Last evaluated: 2025-10-13. Review status: criteria provided, single submitter. Criteria: Invitae Variant Classification Sherloc (09022015). Collection method: clinical testing. Allele origin: germline.
Comment: This sequence change replaces arginine, which is basic and polar, with histidine, which is basic and polar, at codon 316 of the RYR1 protein (p.Arg316His). This variant is present in population databases (rs193922761, gnomAD 0.007%). This variant has not been reported in the literature in individuals affected with RYR1-related conditions. ClinVar contains an entry for this variant (Variation ID: 1367389). Invitae Evidence Modeling of protein sequence and biophysical properties (such as structural, functional, and spatial information, amino acid conservation, physicochemical variation, residue mobility, and thermodynamic stability) indicates that this missense variant is expected to disrupt RYR1 protein function with a positive predictive value of 80%. In summary, the available evidence is currently insufficient to determine the role of this variant in disease. Therefore, it has been classified as a Variant of Uncertain Significance.

Women's Health and Genetics/Laboratory Corporation of America, LabCorp
Classification: Uncertain significance. Last evaluated: 2025-04-17. Review status: criteria provided, single submitter. Criteria: LabCorp Variant Classification Summary - May 2015. Collection method: clinical testing. Allele origin: germline.
Comment: Variant summary: RYR1 c.947G>A (p.Arg316His) results in a non-conservative amino acid change in the encoded protein sequence. Five of five in-silico tools predict a damaging effect of the variant on protein function. The variant allele was found at a frequency of 1.2e-05 in 251146 control chromosomes. The available data on variant occurrences in the general population are insufficient to allow any conclusion about variant significance. To our knowledge, no occurrence of c.947G>A in individuals affected with Congenital multicore myopathy with external ophthalmoplegia and no experimental evidence demonstrating its impact on protein function have been reported. ClinVar contains an entry for this variant (Variation ID: 1367389). Based on the evidence outlined above, the variant was classified as uncertain significance.

All of Us Research Program, National Institutes of Health
Classification: Uncertain significance for Malignant hyperthermia, susceptibility to, 1. Last evaluated: 2024-05-14. Review status: criteria provided, single submitter. Criteria: ACMG Guidelines, 2015. Collection method: clinical testing. Allele origin: germline. Inheritance: Autosomal dominant inheritance. Observed: 5 variant alleles, 5 heterozygotes.
Comment: This missense variant replaces arginine with histidine at codon 316 of the RYR1 protein. Computational prediction suggests that this variant may have deleterious impact on protein structure and function. To our knowledge, functional studies have not been reported for this variant. This variant has not been reported in individuals affected with RYR1-related disorders in the literature. This variant has been identified in 3/251146 chromosomes in the general population by the Genome Aggregation Database (gnomAD). The available evidence is insufficient to determine the role of this variant in disease conclusively. Therefore, this variant is classified as a Variant of Uncertain Significance.

This study involves interpretation of variants in research participants for the purpose of population health screening. Participant phenotype was not available at the time of variant classification. Additional details can be found in publication PMID: 35346344, PMCID: PMC8962531

3billion
Classification: Likely pathogenic for King Denborough syndrome. Last evaluated: 2023-07-30. Review status: criteria provided, single submitter. Criteria: ACMG Guidelines, 2015. Collection method: clinical testing. Allele origin: germline. Affected: yes.
Comment: The variant is observed at an extremely low frequency in the gnomAD v2.1.1 dataset (total allele frequency: 0.001%). Predicted Consequence/Location: The variant is located in a mutational hot spot and/or well-established functional domain in which established pathogenic variants have been reported (PMID: 33767344). In silico tool predictions suggest a damaging effect of the variant on the gene or gene product (REVEL: 0.82; 3Cnet: 0.74). Therefore, this variant is classified as VUS according to the recommendation of ACMG/AMP guideline.

Fulgent Genetics
Classification: Uncertain significance for Central core myopathy; Malignant hyperthermia, susceptibility to, 1; Congenital myopathy 4A, autosomal dominant; Congenital multicore myopathy with external ophthalmoplegia; King Denborough syndrome. Last evaluated: 2022-02-08. Review status: criteria provided, single submitter. Criteria: ACMG Guidelines, 2015. Collection method: clinical testing. Allele origin: unknown.

Literature cited by the submitters: PubMed 16917943 (cited by 3billion); PubMed 33767344 (cited by 3billion).

NM_000540.3(RYR1):c.947G>A (p.Arg316His)

Gene: RYR1 (ryanodine receptor 1; plus strand). Cytogenetic location: 19q13.2.
Variant type: single nucleotide variant.
Coding change: c.947G>A on transcript NM_000540.3 (MANE Select); coding-DNA position 947, G replaced by A.
Protein change: p.Arg316His; replaces arginine 316 with histidine.
Molecular consequence: missense variant.
Genome position (GRCh38, 1-based): chr19:38,448,501, G>A. VCF-style: chr19-38448501-G-A. GRCh37 (hg19) VCF-style: chr19-38939141-G-A.
Other names: c.947G>A, p.Arg316His (NM_001042723.2); c.947G>A (NM_000540.2); short protein forms R316H.
Identifiers: ClinVar variation 1367389 (VCV001367389.12), dbSNP rs193922761, ClinGen allele CA073714.